The following is an entry in ClinVar:

NM_000587.4(C7):c.1093+5A>G

Gene: C7 (complement C7; plus strand). Cytogenetic location: 5p13.1.
Variant type: single nucleotide variant.
Coding change: c.1093+5A>G on transcript NM_000587.4 (MANE Select); 5 bases into the intron after coding-DNA position 1093, A replaced by G.
Molecular consequence: intron variant.
Genome position (GRCh38, 1-based): chr5:40,950,019, A>G. VCF-style: chr5-40950019-A-G. GRCh37 (hg19) VCF-style: chr5-40950121-A-G.
Identifiers: ClinVar variation 1494802 (VCV001494802.6), dbSNP rs2111637665, ClinGen allele CA2573139678.

ClinVar aggregate classification (germline): Uncertain significance (1 of 4 stars; one submission).

Allele frequency attached by ClinVar (database versions not stated): gnomAD exomes below 0.00001.
gnomAD v4.1: 3 of 1,540,416 alleles (0.00019%); highest among the groups gnomAD compares: African/African-American, 0.0014%; no homozygotes.

Submission:

Labcorp Genetics (formerly Invitae), Labcorp
Classification: Uncertain significance. Last evaluated: 2022-12-06. Review status: criteria provided, single submitter. Criteria: Invitae Variant Classification Sherloc (09022015). Collection method: clinical testing. Allele origin: germline.
Comment: This variant has not been reported in the literature in individuals affected with C7-related conditions. ClinVar contains an entry for this variant (Variation ID: 1494802). Variants that disrupt the consensus splice site are a relatively common cause of aberrant splicing (PMID: 17576681, 9536098). Algorithms developed to predict the effect of sequence changes on RNA splicing suggest that this variant is not likely to affect RNA splicing. In summary, the available evidence is currently insufficient to determine the role of this variant in disease. Therefore, it has been classified as a Variant of Uncertain Significance. This sequence change falls in intron 9 of the C7 gene. It does not directly change the encoded amino acid sequence of the C7 protein. It affects a nucleotide within the consensus splice site. This variant is not present in population databases (gnomAD no frequency).

Literature cited by the submitters: PubMed 17576681; PubMed 9536098.